The following is an entry in ClinVar:

NM_024301.5(FKRP):c.863G>T (p.Gly288Val)

Gene: FKRP (fukutin related protein; plus strand). Cytogenetic location: 19q13.32.
Variant type: single nucleotide variant.
Coding change: c.863G>T on transcript NM_024301.5 (MANE Select); coding-DNA position 863, G replaced by T.
Protein change: p.Gly288Val; replaces glycine 288 with valine.
Molecular consequence: missense variant.
Genome position (GRCh38, 1-based): chr19:46,756,313, G>T. VCF-style: chr19-46756313-G-T. GRCh37 (hg19) VCF-style: chr19-47259570-G-T.
Other names: c.863G>T, p.Gly288Val (NM_001039885.3); short protein forms G288V.
Identifiers: ClinVar variation 2058498 (VCV002058498.4), dbSNP rs2513993372, ClinGen allele CA406496166.

ClinVar aggregate classification (germline): Likely pathogenic (1 of 4 stars; one submission).

Conditions:
Walker-Warburg congenital muscular dystrophy. Also called: Muscular dystrophy-dystroglycanopathy, type A; Walker-Warburg syndrome. Identifiers: Orphanet 899, MedGen C0265221, MONDO:0000171.

Submission:

Labcorp Genetics (formerly Invitae), Labcorp
Classification: Likely pathogenic for Walker-Warburg congenital muscular dystrophy. Last evaluated: 2023-09-21. Review status: criteria provided, single submitter. Criteria: Invitae Variant Classification Sherloc (09022015). Collection method: clinical testing. Allele origin: germline.
Comment: This sequence change replaces glycine, which is neutral and non-polar, with valine, which is neutral and non-polar, at codon 288 of the FKRP protein (p.Gly288Val). This variant is not present in population databases (gnomAD no frequency). This missense change has been observed in individual(s) with limb-girdle muscular dystrophy (Invitae). In at least one individual the data is consistent with being in trans (on the opposite chromosome) from a pathogenic variant. ClinVar contains an entry for this variant (Variation ID: 2058498). Advanced modeling of protein sequence and biophysical properties (such as structural, functional, and spatial information, amino acid conservation, physicochemical variation, residue mobility, and thermodynamic stability) performed at Invitae indicates that this missense variant is expected to disrupt FKRP protein function. In summary, the currently available evidence indicates that the variant is pathogenic, but additional data are needed to prove that conclusively. Therefore, this variant has been classified as Likely Pathogenic.